The following is an entry in ClinVar:

NM_020435.4(GJC2):c.145del (p.Asp49fs)

Gene: GJC2 (gap junction protein gamma 2; plus strand). Cytogenetic location: 1q42.13.
Variant type: Deletion.
Coding change: c.145del on transcript NM_020435.4 (MANE Select); coding-DNA position 145, one base deleted (G; older notation c.145delG).
Protein change: p.Asp49fs; shifts the reading frame from aspartic acid 49.
Molecular consequence: frameshift variant.
Genome position (GRCh38, 1-based): chr1:228,157,903, G deleted; the last of 2 consecutive G bases (chr1:228,157,902-228,157,903); deleting either gives the same sequence. VCF-style (leftmost placement, unchanged base first): chr1-228157901-CG-C. GRCh37 (hg19) VCF-style: chr1-228345602-CG-C.
Other names: short protein forms D49fs.
Identifiers: ClinVar variation 3674179 (VCV003674179.2).

ClinVar aggregate classification (germline): Pathogenic (1 of 4 stars; one submission).

Conditions:
Spastic paraplegia. Identifiers: MedGen C0037772, HP:0001258.

Submission:

Labcorp Genetics (formerly Invitae), Labcorp
Classification: Pathogenic for Spastic paraplegia. Last evaluated: 2024-07-30. Review status: criteria provided, single submitter. Criteria: Invitae Variant Classification Sherloc (09022015). Collection method: clinical testing. Allele origin: germline.
Comment: This sequence change creates a premature translational stop signal (p.Asp49Thrfs*161) in the GJC2 gene. While this is not anticipated to result in nonsense mediated decay, it is expected to disrupt the last 391 amino acid(s) of the GJC2 protein. This variant is not present in population databases (gnomAD no frequency). This variant has not been reported in the literature in individuals affected with GJC2-related conditions. This variant disrupts a region of the GJC2 protein in which other variant(s) (p.Arg240*) have been determined to be pathogenic (PMID: 15192806; Invitae). This suggests that this is a clinically significant region of the protein, and that variants that disrupt it are likely to be disease-causing. For these reasons, this variant has been classified as Pathogenic.

Literature cited by the submitters: PubMed 15192806.